The following is an entry in ClinVar:

ClinVar aggregate classification (germline): Uncertain significance (1 of 4 stars; one submission).

Conditions:
Combined immunodeficiency due to STIM1 deficiency. Also called: STIM1 DEFICIENCY; IMMUNODEFICIENCY 10. Identifiers: Orphanet 169090, Orphanet 317430, MedGen C2748557, MONDO:0013008, OMIM 612783.
Myopathy with tubular aggregates (TAM). Also called: Tubular Aggregate Myopathy. Identifiers: Orphanet 2593, MedGen C0410207, MONDO:0008051.
Stormorken syndrome (STRMK). Also called: THROMBOCYTOPATHY, ASPLENIA, AND MIOSIS. Identifiers: Orphanet 3204, MedGen C1861451, MONDO:0008497, OMIM 185070.

gnomAD v4.1: 1 of 1,614,196 alleles (0.000062%); highest among the groups gnomAD compares: Non-Finnish European, 0.000085%; no homozygotes.

Submission:

Labcorp Genetics (formerly Invitae), Labcorp
Classification: Uncertain significance for Myopathy with tubular aggregates; Combined immunodeficiency due to STIM1 deficiency; Stormorken syndrome. Last evaluated: 2024-02-23. Review status: criteria provided, single submitter. Criteria: Invitae Variant Classification Sherloc (09022015). Collection method: clinical testing. Allele origin: germline.
Comment: This sequence change replaces glycine, which is neutral and non-polar, with glutamic acid, which is acidic and polar, at codon 33 of the STIM1 protein (p.Gly33Glu). This variant is not present in population databases (gnomAD no frequency). This variant has not been reported in the literature in individuals affected with STIM1-related conditions. ClinVar contains an entry for this variant (Variation ID: 1713281). Advanced modeling of protein sequence and biophysical properties (such as structural, functional, and spatial information, amino acid conservation, physicochemical variation, residue mobility, and thermodynamic stability) has been performed at Invitae for this missense variant, however the output from this modeling did not meet the statistical confidence thresholds required to predict the impact of this variant on STIM1 protein function. In summary, the available evidence is currently insufficient to determine the role of this variant in disease. Therefore, it has been classified as a Variant of Uncertain Significance.

NM_001382567.1(STIM1):c.98G>A (p.Gly33Glu)

Gene: STIM1 (stromal interaction molecule 1; plus strand). Cytogenetic location: 11p15.4.
Variant type: single nucleotide variant.
Coding change: c.98G>A on transcript NM_001382567.1 (MANE Select); coding-DNA position 98, G replaced by A.
Protein change: p.Gly33Glu; replaces glycine 33 with glutamic acid.
Molecular consequence: missense variant. On other transcripts: 5 prime UTR variant (1), non-coding transcript variant (3), intron variant (10).
Genome position (GRCh38, 1-based): chr11:3,856,368, G>A. VCF-style: chr11-3856368-G-A. GRCh37 (hg19) VCF-style: chr11-3877598-G-A.
Other names: c.98G>A, p.Gly33Glu (NM_001277961.3, NM_001277962.2, NM_001382568.1 and 3 more transcripts); c.94G>A, p.Glu32Lys (NM_001382569.1); c.-140G>A (NM_001382571.1); c.-84+1632G>A (NM_001382578.1, NM_001382575.1, NM_001382574.1); c.-220+1632G>A (NM_001382580.1, NM_001382581.1); c.-84+1714G>A (NM_001382576.1); c.-84+952G>A (NM_001382566.1, NM_001382579.1, NM_001382577.1 and 1 more transcripts); short protein forms E32K, G33E.
Identifiers: ClinVar variation 1713281 (VCV001713281.6), dbSNP rs2135170857, ClinGen allele CA379196477.